The following is an entry in ClinVar:

ClinVar aggregate classification (germline): Uncertain significance. Review status: criteria provided, multiple submitters, no conflicts (2 of 4 stars). 2 submissions from 2 submitters: Uncertain significance (2). Last evaluated 2025-09-30.

Submissions (2):

Labcorp Genetics (formerly Invitae), Labcorp
Classification: Uncertain significance. Last evaluated: 2025-09-30. Review status: criteria provided, single submitter. Criteria: Invitae Variant Classification Sherloc (09022015). Collection method: clinical testing. Allele origin: germline.
Comment: This sequence change replaces arginine, which is basic and polar, with glutamine, which is neutral and polar, at codon 616 of the KLC2 protein (p.Arg616Gln). This variant is present in population databases (rs778099615, gnomAD 0.006%). This variant has not been reported in the literature in individuals affected with KLC2-related conditions. ClinVar contains an entry for this variant (Variation ID: 3693964). Experimental studies and prediction algorithms are not available or were not evaluated, and the functional significance of this variant is currently unknown. In summary, the available evidence is currently insufficient to determine the role of this variant in disease. Therefore, it has been classified as a Variant of Uncertain Significance.

Ambry Genetics
Classification: Uncertain significance. Last evaluated: 2025-08-24. Review status: criteria provided, single submitter. Criteria: Ambry Variant Classification Scheme 2023. Collection method: clinical testing. Allele origin: germline.

NM_001318734.2(KLC2):c.1847G>A (p.Arg616Gln)

Gene: KLC2 (kinesin light chain 2; plus strand). Cytogenetic location: 11q13.2.
Variant type: single nucleotide variant.
Coding change: c.1847G>A on transcript NM_001318734.2 (MANE Select); coding-DNA position 1847, G replaced by A.
Protein change: p.Arg616Gln; replaces arginine 616 with glutamine.
Molecular consequence: missense variant.
Genome position (GRCh38, 1-based): chr11:66,266,934, G>A. VCF-style: chr11-66266934-G-A. GRCh37 (hg19) VCF-style: chr11-66034405-G-A.
Other names: c.1847G>A (NM_001134775.1); c.1616G>A, p.Arg539Gln (NM_001134774.2); c.1847G>A, p.Arg616Gln (NM_001134775.2, NM_001134776.2, NM_022822.3); short protein forms R616Q, R539Q.
Identifiers: ClinVar variation 3693964 (VCV003693964.3).